The following is an entry in ClinVar:

ClinVar aggregate classification (germline): Uncertain significance (1 of 4 stars; one submission).

Allele frequency attached by ClinVar (database versions not stated): gnomAD exomes below 0.00001; gnomAD 0.00003; TOPMed 0.00003.
gnomAD v4.1: 5 of 1,614,116 alleles (0.00031%); highest among the groups gnomAD compares: African/African-American, 0.0067%; no homozygotes.

Submission:

Ambry Genetics
Classification: Uncertain significance. Last evaluated: 2024-10-13. Review status: criteria provided, single submitter. Criteria: Ambry Variant Classification Scheme 2023. Collection method: clinical testing. Allele origin: germline.
Comment: The p.V755L variant (also known as c.2263G>T), located in coding exon 4 of the ALPK2 gene, results from a G to T substitution at nucleotide position 2263. The valine at codon 755 is replaced by leucine, an amino acid with highly similar properties. This amino acid position is conserved. In addition, this alteration is predicted to be tolerated by in silico analysis. Since supporting evidence is limited at this time, the clinical significance of this alteration remains unclear.

NM_052947.4(ALPK2):c.2263G>T (p.Val755Leu)

Gene: ALPK2 (alpha kinase 2; minus strand). Cytogenetic location: 18q21.31.
Variant type: single nucleotide variant.
Coding change: c.2263G>T on transcript NM_052947.4 (MANE Select); coding-DNA position 2263, G replaced by T.
Protein change: p.Val755Leu; replaces valine 755 with leucine.
Molecular consequence: missense variant.
Genome position (GRCh38, 1-based): chr18:58,537,924, C>A on the plus strand (G>T on the coding strand, the complement: ALPK2 is on the minus strand). VCF-style: chr18-58537924-C-A. GRCh37 (hg19) VCF-style: chr18-56205156-C-A.
Other names: short protein forms V755L.
Identifiers: ClinVar variation 1788674 (VCV001788674.3), dbSNP rs1046671340, ClinGen allele CA300927701.